The following is an entry in ClinVar:

ClinVar aggregate classification (germline): Uncertain significance (1 of 4 stars; one submission).

Conditions:
Jeune thoracic dystrophy. Also called: Jeune syndrome; Short-rib thoracic dysplasia; Infantile thoracic dystrophy; Thoracic pelvic phalangeal dystrophy; Jeune's syndrome; Chondroectodermal dysplasia-like syndrome. Identifiers: Orphanet 474, MedGen C0265275, MONDO:0018770.

Submission:

Labcorp Genetics (formerly Invitae), Labcorp
Classification: Uncertain significance for Jeune thoracic dystrophy. Last evaluated: 2022-02-03. Review status: criteria provided, single submitter. Criteria: Invitae Variant Classification Sherloc (09022015). Collection method: clinical testing. Allele origin: germline.
Comment: This sequence change replaces histidine, which is basic and polar, with tyrosine, which is neutral and polar, at codon 250 of the IFT80 protein (p.His250Tyr). This variant is not present in population databases (gnomAD no frequency). This variant has not been reported in the literature in individuals affected with IFT80-related conditions. ClinVar contains an entry for this variant (Variation ID: 1000317). Algorithms developed to predict the effect of missense changes on protein structure and function are either unavailable or do not agree on the potential impact of this missense change (SIFT: "Deleterious"; PolyPhen-2: "Possibly Damaging"; Align-GVGD: "Class C15"). In summary, the available evidence is currently insufficient to determine the role of this variant in disease. Therefore, it has been classified as a Variant of Uncertain Significance.

NM_020800.3(IFT80):c.748C>T (p.His250Tyr)

Genes: TRIM59-IFT80 (TRIM59-IFT80 readthrough (NMD candidate); minus strand), IFT80 (intraflagellar transport 80; minus strand). Cytogenetic location: 3q25.33.
Variant type: single nucleotide variant.
Coding change: c.748C>T on transcript NM_020800.3 (MANE Select); coding-DNA position 748, C replaced by T.
Protein change: p.His250Tyr; replaces histidine 250 with tyrosine.
Molecular consequence: missense variant. On other transcripts: non-coding transcript variant (3).
Genome position (GRCh38, 1-based): chr3:160,356,042, G>A on the plus strand (C>T on the coding strand, the complement: IFT80 is on the minus strand). VCF-style: chr3-160356042-G-A. GRCh37 (hg19) VCF-style: chr3-160073830-G-A.
Other names: c.337C>T, p.His113Tyr (NM_001190241.2, NM_001190242.2); short protein forms H113Y, H250Y.
Identifiers: ClinVar variation 1000317 (VCV001000317.6), dbSNP rs1721060438, ClinGen allele CA355192733.
Genomic context (GRCh38, chr3:160,356,042, plus strand): 5'-ACATCTGTGATTGCTCACCACTATAACTTACCCCAGTTTTATCACACAAGCGTAAAGTAT[G>A]AAACGATCCAACAGCAAATAATTCTCCATCTGGAGCCCAGGCAACTGAAGTAATGGGATG-3'
Protein context (NP_065851.1, residues 240-260): DGELFAVGSF[His250Tyr]TLRLCDKTGW